The following is an entry in ClinVar:

NM_000143.4(FH):c.1446A>C (p.Leu482Phe)

Gene: FH (fumarate hydratase; minus strand). Cytogenetic location: 1q43.
Variant type: single nucleotide variant.
Coding change: c.1446A>C on transcript NM_000143.4 (MANE Select); coding-DNA position 1446, A replaced by C.
Protein change: p.Leu482Phe; replaces leucine 482 with phenylalanine.
Molecular consequence: missense variant.
Genome position (GRCh38, 1-based): chr1:241,497,915, T>G on the plus strand (A>C on the coding strand, the complement: FH is on the minus strand). VCF-style: chr1-241497915-T-G. GRCh37 (hg19) VCF-style: chr1-241661215-T-G.
Other names: p.L482F:TTA>TTC; short protein forms L482F.
Identifiers: ClinVar variation 214388 (VCV000214388.5), dbSNP rs863223979, ClinGen allele CA322922.

ClinVar aggregate classification (germline): Conflicting classifications of pathogenicity. Review status: criteria provided, conflicting classifications (1 of 4 stars). 2 submissions from 2 submitters: Likely pathogenic (1); Uncertain significance (1). Last evaluated 2025-06-18.

Conditions:
Hereditary cancer-predisposing syndrome. Also called: Hereditary neoplastic syndrome; Neoplastic Syndromes, Hereditary; Tumor predisposition; Hereditary Cancer Syndrome. Identifiers: Orphanet 140162, MedGen C0027672, MeSH D009386, MONDO:0015356.

Submissions (2):

Ambry Genetics
Classification: Uncertain significance for Hereditary cancer-predisposing syndrome. Last evaluated: 2025-06-18. Review status: criteria provided, single submitter. Criteria: Ambry Variant Classification Scheme 2023. Collection method: clinical testing. Allele origin: germline.
Comment: The p.L482F variant (also known as c.1446A>C), located in coding exon 10 of the FH gene, results from an A to C substitution at nucleotide position 1446. The leucine at codon 482 is replaced by phenylalanine, an amino acid with highly similar properties. This amino acid position is highly conserved in available vertebrate species. In addition, this alteration is predicted to be deleterious by in silico analysis. Based on the available evidence, the clinical significance of this variant remains unclear.

GeneDx
Classification: Likely pathogenic. Last evaluated: 2013-04-26. Review status: criteria provided, single submitter. Criteria: GeneDx Variant Classification (06012015). Collection method: clinical testing. Allele origin: germline. Affected: yes.
Comment: p.Leu482Phe (TTA>TTC): c.1446 A>C in exon 10 of the FH gene (NM_000143.3). The L482F missense change has not been published as a mutation, nor has it been reported as a benign polymorphism to our knowledge. The amino acid change is conservative because both Leucine and Phenylalanine are uncharged, non-polar amino acids. However, this change occurs at a conserved position in the FH protein, and multiple in-silico analysis programs predict that L482F is damaging to the FH protein. Therefore, L482F is a strong candidate for a disease-causing mutation, however the possibility that it is a benign variant cannot be excluded. The variant is found in MITONUC-MITOP panel(s).